The following is an entry in ClinVar:

NM_000179.3(MSH6):c.2104T>C (p.Ser702Pro)

Gene: MSH6 (mutS homolog 6; plus strand). Cytogenetic location: 2p16.3.
Variant type: single nucleotide variant.
Coding change: c.2104T>C on transcript NM_000179.3 (MANE Select); coding-DNA position 2104, T replaced by C.
Protein change: p.Ser702Pro; replaces serine 702 with proline.
Molecular consequence: missense variant.
Genome position (GRCh38, 1-based): chr2:47,800,087, T>C. VCF-style: chr2-47800087-T-C. GRCh37 (hg19) VCF-style: chr2-48027226-T-C.
Other names: c.1714T>C, p.Ser572Pro (NM_001281492.2); c.1198T>C, p.Ser400Pro (NM_001281493.2, NM_001281494.2); short protein forms S702P, S572P, S400P.
Identifiers: ClinVar variation 489978 (VCV000489978.6), dbSNP rs1553413477, ClinGen allele CA346750915.
Genomic context (GRCh38, chr2:47,800,087, plus strand): 5'-TCTGCTCTAGGTGGTTGTGTCTTCTACCTCAAAAAATGCCTTATTGATCAGGAGCTTTTA[T>C]CAATGGCTAATTTTGAAGAATATATTCCCTTGGATTCTGACACAGTCAGCACTACAAGAT-3'
Protein context (NP_000170.1, residues 692-712): KKCLIDQELL[Ser702Pro]MANFEEYIPL

ClinVar aggregate classification (germline): Uncertain significance (1 of 4 stars; one submission).

Conditions:
Hereditary cancer-predisposing syndrome. Also called: Hereditary Cancer Syndrome; Neoplastic Syndromes, Hereditary; Tumor predisposition; Hereditary neoplastic syndrome. Identifiers: Orphanet 140162, MedGen C0027672, MeSH D009386, MONDO:0015356.

Submission:

Color Diagnostics, LLC DBA Color Health
Classification: Uncertain significance for Hereditary cancer-predisposing syndrome. Last evaluated: 2023-12-05. Review status: criteria provided, single submitter. Criteria: ACMG Guidelines, 2015. Collection method: clinical testing. Allele origin: germline.
Comment: This missense variant replaces serine with proline at codon 702 of the MSH6 protein. Computational prediction suggests that this variant may have deleterious impact on protein structure and function (internally defined REVEL score threshold >= 0.7, PMID: 27666373). To our knowledge, functional studies have not been reported for this variant. This variant has not been reported in individuals affected with MSH6-related disorders in the literature. This variant has not been identified in the general population by the Genome Aggregation Database (gnomAD). The available evidence is insufficient to determine the role of this variant in disease conclusively. Therefore, this variant is classified as a Variant of Uncertain Significance.